The following is an entry in ClinVar:

NM_001267550.2(TTN):c.6244G>T (p.Glu2082Ter)

Gene: TTN (titin; minus strand). Cytogenetic location: 2q31.2.
Variant type: single nucleotide variant.
Coding change: c.6244G>T on transcript NM_001267550.2 (MANE Select); coding-DNA position 6244, G replaced by T.
Protein change: p.Glu2082Ter; replaces glutamic acid 2082 with a stop codon.
Molecular consequence: nonsense.
Genome position (GRCh38, 1-based): chr2:178,775,620, C>A on the plus strand (G>T on the coding strand, the complement: TTN is on the minus strand). VCF-style: chr2-178775620-C-A. GRCh37 (hg19) VCF-style: chr2-179640347-C-A.
Other names: c.6244G>T, p.Glu2082Ter (NM_001256850.1, NM_133378.4, NM_133379.5); c.6106G>T, p.Glu2036Ter (NM_003319.4, NM_133432.3, NM_133437.4); short protein forms E2082*, E2036*.
Identifiers: ClinVar variation 489097 (VCV000489097.14), dbSNP rs750064248, ClinGen allele CA349441942.

ClinVar aggregate classification (germline): Conflicting classifications of pathogenicity. Review status: criteria provided, conflicting classifications (1 of 4 stars). 3 submissions from 3 submitters: Likely pathogenic (1); Uncertain significance (2). Last evaluated 2025-12-15.

Conditions:
Dilated cardiomyopathy 1G (CMD1G). Identifiers: Orphanet 154, MedGen C1858763, MONDO:0011400, OMIM 604145.
Autosomal recessive limb-girdle muscular dystrophy type 2J (LGMDR10). Also called: Limb-girdle muscular dystrophy, type 2J; MUSCULAR DYSTROPHY, LIMB-GIRDLE, AUTOSOMAL RECESSIVE 10. Identifiers: Orphanet 140922, MedGen C1837342, MONDO:0012127, OMIM 608807.

Submissions (3):

Labcorp Genetics (formerly Invitae), Labcorp
Classification: Likely pathogenic for Dilated cardiomyopathy 1G; Autosomal recessive limb-girdle muscular dystrophy type 2J. Last evaluated: 2025-12-15. Review status: criteria provided, single submitter. Criteria: Invitae Variant Classification Sherloc (09022015). Collection method: clinical testing. Allele origin: germline.
Comment: This sequence change creates a premature translational stop signal (p.Glu2082*) in the TTN gene. While this is not anticipated to result in nonsense mediated decay, it is expected to create a truncated TTN protein. This variant is not present in population databases (gnomAD no frequency). This variant has not been reported in the literature in individuals affected with TTN-related conditions. ClinVar contains an entry for this variant (Variation ID: 489097). This variant is located in the Z band of TTN (PMID: 25589632). Truncating variants in this region have been reported in individuals affected with autosomal recessive centronuclear myopathy (PMID: 33449170, internal data). Truncating variants in this region have also been identified in individuals affected with autosomal dominant dilated cardiomyopathy and/or cardio-related conditions (PMID: 27869827, 32964742, internal data). In summary, the currently available evidence indicates that the variant is pathogenic, but additional data are needed to prove that conclusively. Therefore, this variant has been classified as Likely Pathogenic.

Eurofins Ntd Llc (ga)
Classification: Uncertain significance. Last evaluated: 2018-04-24. Review status: criteria provided, single submitter. Criteria: EGL ClinVar v180209 classification definitions. Collection method: clinical testing. Allele origin: germline. Observed: 1 variant allele, 1 heterozygote.

GeneDx
Classification: Uncertain significance. Last evaluated: 2017-11-07. Review status: criteria provided, single submitter. Criteria: GeneDx Variant Classification (06012015). Collection method: clinical testing. Allele origin: germline. Affected: yes.
Comment: The E2082X variant of uncertain significance in the TTN gene has not been reported as pathogenic or benign to our knowledge. This variant is not observed in large population cohorts (Lek et al., 2016). In addition, E2082X is predicted to cause loss of normal protein function either due to production of an abnormal, prematurely truncated protein, or by absence of protein product due to nonsense mediated mRNA decay. However, other truncating TTN variants have been reported in approximately 3% of control alleles (Herman et al., 2012). Furthermore, E2082X is located in the I-band region of titin; the majority of truncating pathogenic variants associated with DCM have been reported in the A-band region of titin (Herman et al., 2012).Therefore, based on the currently available information, it is unclear whether this variant is pathogenic or rare benign.

Literature cited by the submitters: PubMed 25589632 (cited by Labcorp Genetics (formerly Invitae), Labcorp); PubMed 33449170 (cited by Labcorp Genetics (formerly Invitae), Labcorp); PubMed 27869827 (cited by Labcorp Genetics (formerly Invitae), Labcorp); PubMed 32964742 (cited by Labcorp Genetics (formerly Invitae), Labcorp).